The following is an entry in ClinVar:

NM_000138.5(FBN1):c.939C>G (p.Cys313Trp)

Gene: FBN1 (fibrillin 1; minus strand). Cytogenetic location: 15q21.1.
Variant type: single nucleotide variant.
Coding change: c.939C>G on transcript NM_000138.5 (MANE Select); coding-DNA position 939, C replaced by G.
Protein change: p.Cys313Trp; replaces cysteine 313 with tryptophan.
Molecular consequence: missense variant.
Genome position (GRCh38, 1-based): chr15:48,526,179, G>C on the plus strand (C>G on the coding strand, the complement: FBN1 is on the minus strand). VCF-style: chr15-48526179-G-C. GRCh37 (hg19) VCF-style: chr15-48818376-G-C.
Other names: short protein forms C313W.
Identifiers: ClinVar variation 549472 (VCV000549472.2), dbSNP rs1555401007, ClinGen allele CA392349947.

ClinVar aggregate classification (germline): Pathogenic. Review status: criteria provided, single submitter (1 of 4 stars). 2 submissions from 2 submitters: Pathogenic (1). 1 of the submissions does not count toward it. Last evaluated 2025-10-28.

Conditions:
Familial thoracic aortic aneurysm and aortic dissection (TAAD). Also called: Thoracic aortic aneurysms and dissections. Identifiers: Orphanet 91387, MedGen C4707243, MONDO:0019625.
Marfan syndrome (MFS). Also called: Marfan syndrome type 1; Marfan syndrome, classic; Marfan's syndrome; FBN1-Related Marfan Syndrome; MARFAN SYNDROME, TYPE I. Identifiers: Orphanet 284963, Orphanet 558, MedGen C0024796, MONDO:0007947, OMIM 154700.

Submissions (2):

Labcorp Genetics (formerly Invitae), Labcorp
Classification: Pathogenic for Marfan syndrome; Familial thoracic aortic aneurysm and aortic dissection. Last evaluated: 2025-10-28. Review status: criteria provided, single submitter. Criteria: Invitae Variant Classification Sherloc (09022015). Collection method: clinical testing. Allele origin: germline.
Comment: This sequence change replaces cysteine, which is neutral and slightly polar, with tryptophan, which is neutral and slightly polar, at codon 313 of the FBN1 protein (p.Cys313Trp). This variant is not present in population databases (gnomAD no frequency). This missense change has been observed in individual(s) with Marfan syndrome (PMID: 27906200). ClinVar contains an entry for this variant (Variation ID: 549472). Invitae Evidence Modeling of protein sequence and biophysical properties (such as structural, functional, and spatial information, amino acid conservation, physicochemical variation, residue mobility, and thermodynamic stability) indicates that this missense variant is expected to disrupt FBN1 protein function with a positive predictive value of 95%. This variant affects a cysteine residue in the EGF-like, TGFBP or hybrid motif domains of FBN1. Cysteine residues are believed to be involved in intramolecular disulfide bridges and have been shown to be important for FBN1 protein structure (PMID: 16905551, 19349279). In addition, missense substitutions affecting cysteine residues within these domains are significantly overrepresented among patients with Marfan syndrome (PMID: 16571647, 17701892). This variant disrupts the p.Cys313 amino acid residue in FBN1. Other variant(s) that disrupt this residue have been observed in individuals with FBN1-related conditions (PMID: 27906200, 35058154; internal data), which suggests that this may be a clinically significant amino acid residue. For these reasons, this variant has been classified as Pathogenic.

Center for Medical Genetics Ghent, University of Ghent
Classification: Uncertain significance for Marfan syndrome. Last evaluated: 2017-11-07. Review status: no assertion criteria provided. Collection method: clinical testing. Allele origin: germline. Affected: yes. Not counted in ClinVar's aggregate classification.

Literature cited by the submitters: PubMed 27906200 (cited by Labcorp Genetics (formerly Invitae), Labcorp); PubMed 16905551 (cited by Labcorp Genetics (formerly Invitae), Labcorp); PubMed 19349279 (cited by Labcorp Genetics (formerly Invitae), Labcorp); PubMed 16571647 (cited by Labcorp Genetics (formerly Invitae), Labcorp); PubMed 17701892 (cited by Labcorp Genetics (formerly Invitae), Labcorp); PubMed 35058154 (cited by Labcorp Genetics (formerly Invitae), Labcorp).